The following is an entry in ClinVar:

NM_001690.4(ATP6V1A):c.169T>C (p.Leu57=)

Gene: ATP6V1A (ATPase H+ transporting V1 subunit A; plus strand). Cytogenetic location: 3q13.31.
Variant type: single nucleotide variant.
Coding change: c.169T>C on transcript NM_001690.4 (MANE Select); coding-DNA position 169, T replaced by C.
Protein change: p.Leu57=; no amino-acid change (leucine 57 retained).
Molecular consequence: synonymous variant.
Genome position (GRCh38, 1-based): chr3:113,781,136, T>C. VCF-style: chr3-113781136-T-C. GRCh37 (hg19) VCF-style: chr3-113499983-T-C.
Identifiers: ClinVar variation 5041313 (VCV005041313.1).
Genomic context (GRCh38, chr3:113,781,136, plus strand): 5'-GCAGCCATGTATGAGCTGGTGAGAGTGGGCCACAGCGAATTGGTTGGAGAGATTATTCGA[T>C]TGGAGGGTGACATGGCTACTATTCAGGTGTATGAAGAAACTTGTATCCTTTTTGGCTCAA-3'
Protein context (NP_001681.2, residues 47-67): HSELVGEIIR[Leu57=]EGDMATIQVY

ClinVar aggregate classification (germline): Likely benign (1 of 4 stars; one submission).

gnomAD v4.1: 3 of 1,613,728 alleles (0.00019%); highest among the groups gnomAD compares: African/African-American, 0.0013%; no homozygotes.

Submission:

CeGaT Center for Human Genetics Tuebingen
Classification: Likely benign. Last evaluated: 2026-09-01. Review status: criteria provided, single submitter. Criteria: CeGaT Center For Human Genetics Tuebingen Variant Classification Criteria Version 2. Collection method: clinical testing. Allele origin: germline. Affected: yes. Observed: 1 variant allele.
Comment: ATP6V1A: BP4, BP7